The following is an entry in ClinVar:

ClinVar aggregate classification (germline): Benign/Likely benign. Review status: criteria provided, multiple submitters, no conflicts (2 of 4 stars). 4 submissions from 4 submitters: Benign (2); Likely benign (2). Last evaluated 2026-04-01.

Allele frequency attached by ClinVar (database versions not stated): gnomAD exomes 0.00020 and 0.00057; ExAC 0.00074; gnomAD 0.00196 and 0.00208; ESP Exome Variant Server 0.00215; 1000 Genomes Project 30x 0.00219; 1000 Genomes Project 0.00240; TOPMed 0.00260.
gnomAD v4.1: 627 of 1,614,180 alleles (0.039%); highest among the groups gnomAD compares: African/African-American, 0.53%; 1 homozygote.

Submissions (4):

CeGaT Center for Human Genetics Tuebingen
Classification: Likely benign. Last evaluated: 2026-04-01. Review status: criteria provided, single submitter. Criteria: CeGaT Center For Human Genetics Tuebingen Variant Classification Criteria Version 2. Collection method: clinical testing. Allele origin: germline. Affected: yes. Observed: 3 variant alleles.
Comment: POLR3A: BP4, BP7

Labcorp Genetics (formerly Invitae), Labcorp
Classification: Benign. Last evaluated: 2026-01-27. Review status: criteria provided, single submitter. Criteria: Invitae Variant Classification Sherloc (09022015). Collection method: clinical testing. Allele origin: germline.

Blueprint Genetics
Classification: Likely benign. Last evaluated: 2024-11-06. Review status: criteria provided, single submitter. Criteria: ACMG Guidelines, 2015. Collection method: clinical testing. Allele origin: germline.

Breakthrough Genomics
Classification: Benign. Review status: criteria provided, single submitter. Criteria: ACMG Guidelines, 2015. Collection method: not provided. Allele origin: germline. Inheritance: Autosomal recessive inheritance. Affected: yes.

NM_007055.4(POLR3A):c.438C>T (p.Ile146=)

Genes: POLR3A (RNA polymerase III subunit A; minus strand), LOC126860971 (CDK7 strongly-dependent group 2 enhancer GRCh37_chr10:79784551-79785750; plus strand). Cytogenetic location: 10q22.3.
Variant type: single nucleotide variant.
Coding change: c.438C>T on transcript NM_007055.4 (MANE Select); coding-DNA position 438, C replaced by T.
Protein change: p.Ile146=; no amino-acid change (isoleucine 146 retained).
Molecular consequence: synonymous variant.
Genome position (GRCh38, 1-based): chr10:78,025,023, G>A on the plus strand (C>T on the coding strand, the complement: POLR3A is on the minus strand). VCF-style: chr10-78025023-G-A. GRCh37 (hg19) VCF-style: chr10-79784781-G-A.
Identifiers: ClinVar variation 768374 (VCV000768374.37), dbSNP rs16935547, ClinGen allele CA5571704.